The following is an entry in ClinVar:

ClinVar aggregate classification (germline): Uncertain significance (1 of 4 stars; one submission).

gnomAD v4.1: 2 of 1,614,186 alleles (0.00012%); highest among the groups gnomAD compares: East Asian, 0.0022%; no homozygotes.

Submission:

Labcorp Genetics (formerly Invitae), Labcorp
Classification: Uncertain significance. Last evaluated: 2024-04-10. Review status: criteria provided, single submitter. Criteria: Invitae Variant Classification Sherloc (09022015). Collection method: clinical testing. Allele origin: germline.
Comment: This sequence change replaces valine, which is neutral and non-polar, with methionine, which is neutral and non-polar, at codon 278 of the HOXB13 protein (p.Val278Met). This variant is present in population databases (no rsID available, gnomAD 0.006%). This variant has not been reported in the literature in individuals affected with HOXB13-related conditions. ClinVar contains an entry for this variant (Variation ID: 1060719). An algorithm developed to predict the effect of missense changes on protein structure and function (PolyPhen-2) suggests that this variant is likely to be tolerated. Algorithms developed to predict the effect of sequence changes on RNA splicing suggest that this variant may create or strengthen a splice site. In summary, the available evidence is currently insufficient to determine the role of this variant in disease. Therefore, it has been classified as a Variant of Uncertain Significance.

NM_006361.6(HOXB13):c.832G>A (p.Val278Met)

Gene: HOXB13 (homeobox B13; minus strand). Cytogenetic location: 17q21.32.
Variant type: single nucleotide variant.
Coding change: c.832G>A on transcript NM_006361.6 (MANE Select); coding-DNA position 832, G replaced by A.
Protein change: p.Val278Met; replaces valine 278 with methionine.
Molecular consequence: missense variant.
Genome position (GRCh38, 1-based): chr17:48,726,813, C>T on the plus strand (G>A on the coding strand, the complement: HOXB13 is on the minus strand). VCF-style: chr17-48726813-C-T. GRCh37 (hg19) VCF-style: chr17-46804175-C-T.
Other names: short protein forms V278M.
Identifiers: ClinVar variation 1060719 (VCV001060719.7), dbSNP rs200997384, ClinGen allele CA400105303.